The following is an entry in ClinVar:

ClinVar aggregate classification (germline): Pathogenic (1 of 4 stars; one submission).

Conditions:
Nemaline myopathy 2 (NEM2). Also called: Nemaline myopathy 2, autosomal recessive. Identifiers: MedGen C1850569, MONDO:0009725, OMIM 256030.

Submission:

Myriad Genetics, Inc.
Classification: Pathogenic for Nemaline myopathy 2. Last evaluated: 2024-10-22. Review status: criteria provided, single submitter. Criteria: Myriad Autosomal Dominant, Autosomal Recessive and X-Linked Classification Criteria (2023). Collection method: clinical testing. Allele origin: unknown.
Comment: NM_001271208.1(NEB):c.21616C>T(Q7206*) is expected to be pathogenic in the context of NEB-related nemaline myopathy. This variant is predicted to lead to an abnormal or absent protein product due to the creation of a premature termination codon in NEB, a gene where loss-of-function variants are known to be pathogenic. Please note: this variant was assessed in the context of healthy population screening.

NM_001164508.2(NEB):c.21511C>T (p.Gln7171Ter)

Genes: NEB (nebulin; minus strand), RIF1 (replication timing regulatory factor 1; plus strand). Cytogenetic location: 2q23.3.
Variant type: single nucleotide variant.
Coding change: c.21511C>T on transcript NM_001164508.2 (MANE Select); coding-DNA position 21511, C replaced by T.
Protein change: p.Gln7171Ter; replaces glutamine 7171 with a stop codon.
Molecular consequence: nonsense.
Genome position (GRCh38, 1-based): chr2:151,531,803, G>A on the plus strand (C>T on the coding strand, the complement: NEB is on the minus strand). VCF-style: chr2-151531803-G-A. GRCh37 (hg19) VCF-style: chr2-152388317-G-A.
Other names: c.21511C>T, p.Gln7171Ter (NM_001164507.2); c.21616C>T, p.Gln7206Ter (NM_001271208.2); c.16408C>T, p.Gln5470Ter (NM_004543.5); short protein forms Q5470*, Q7171*, Q7206*.
Identifiers: ClinVar variation 5013663 (VCV005013663.1).